The following is an entry in ClinVar:

ClinVar aggregate classification (germline): Likely benign (1 of 4 stars; one submission).

gnomAD v4.1: 1 of 1,609,784 alleles (0.000062%); highest among the groups gnomAD compares: Non-Finnish European, 0.000085%; no homozygotes.

Submission:

CeGaT Center for Human Genetics Tuebingen
Classification: Likely benign. Last evaluated: 2026-08-01. Review status: criteria provided, single submitter. Criteria: CeGaT Center For Human Genetics Tuebingen Variant Classification Criteria Version 2. Collection method: clinical testing. Allele origin: germline. Affected: yes. Observed: 1 variant allele.
Comment: ZNF292: BP4, BP7

NM_015021.3(ZNF292):c.2748A>G (p.Pro916=)

Gene: ZNF292 (zinc finger protein 292; plus strand). Cytogenetic location: 6q14.3.
Variant type: single nucleotide variant.
Coding change: c.2748A>G on transcript NM_015021.3 (MANE Select); coding-DNA position 2748, A replaced by G.
Protein change: p.Pro916=; no amino-acid change (proline 916 retained).
Molecular consequence: synonymous variant.
Genome position (GRCh38, 1-based): chr6:87,256,377, A>G. VCF-style: chr6-87256377-A-G. GRCh37 (hg19) VCF-style: chr6-87966095-A-G.
Other names: c.2328A>G, p.Pro776= (NM_001351444.2).
Identifiers: ClinVar variation 5039789 (VCV005039789.1).
Genomic context (GRCh38, chr6:87,256,377, plus strand): 5'-ATCAGCTGTGACCAAACAAGACCAGATTTCTGCCTCTGAGCTCAGGCAAGCTAATGGACC[A>G]TTGTCAAATGGTTTGGAAAACCCTGCTACTACTCCTCTACTTCAATCCAGTGAAGTAGCT-3'
Protein context (NP_055836.1, residues 906-926): SASELRQANG[Pro916=]LSNGLENPAT